The following is an entry in ClinVar:

ClinVar aggregate classification (germline): Pathogenic (1 of 4 stars; one submission).

Conditions:
Familial cancer of breast. Also called: BREAST CANCER, FAMILIAL; Hereditary breast cancer; hereditary breast carcinoma. Identifiers: Orphanet 227535, MedGen C0346153, MONDO:0016419, OMIM 114480. Disease mechanism: loss of function.

Submission:

Myriad Genetics, Inc.
Classification: Pathogenic for Familial cancer of breast. Last evaluated: 2024-01-25. Review status: criteria provided, single submitter. Criteria: Myriad Autosomal Dominant, Autosomal Recessive and X-Linked Classification Criteria (2023). Collection method: clinical testing. Allele origin: unknown.
Comment: This variant is considered pathogenic. This variant creates a termination codon and is predicted to result in premature protein truncation.

NM_000051.4(ATM):c.5250G>A (p.Trp1750Ter)

Gene: ATM (ATM serine/threonine kinase; plus strand). Cytogenetic location: 11q22.3.
Variant type: single nucleotide variant.
Coding change: c.5250G>A on transcript NM_000051.4 (MANE Select); coding-DNA position 5250, G replaced by A.
Protein change: p.Trp1750Ter; replaces tryptophan 1750 with a stop codon.
Molecular consequence: nonsense.
Genome position (GRCh38, 1-based): chr11:108,301,720, G>A. VCF-style: chr11-108301720-G-A. GRCh37 (hg19) VCF-style: chr11-108172447-G-A.
Other names: c.5250G>A, p.Trp1750Ter (NM_001351834.2); short protein forms W1750*.
Identifiers: ClinVar variation 3148054 (VCV003148054.1), dbSNP rs587779845, ClinGen allele CA382542467.